The following is an entry in ClinVar:

ClinVar aggregate classification (germline): Likely benign (1 of 4 stars; one submission).

Allele frequency attached by ClinVar (database versions not stated): gnomAD 0.00006; TOPMed 0.00006 and 0.00010.
gnomAD v4.1: 45 of 1,589,896 alleles (0.0028%); highest among the groups gnomAD compares: African/African-American, 0.004%; no homozygotes.

Submission:

GeneDx
Classification: Likely benign. Last evaluated: 2017-05-02. Review status: criteria provided, single submitter. Criteria: GeneDx Variant Classification (06012015). Collection method: clinical testing. Allele origin: germline. Affected: yes.
Comment: This variant is considered likely benign or benign based on one or more of the following criteria: it is a conservative change, it occurs at a poorly conserved position in the protein, it is predicted to be benign by multiple in silico algorithms, and/or has population frequency not consistent with disease.

NM_007254.4(PNKP):c.-13-19C>A

Gene: PNKP (polynucleotide kinase 3'-phosphatase; minus strand). Cytogenetic location: 19q13.33.
Variant type: single nucleotide variant.
Coding change: c.-13-19C>A on transcript NM_007254.4 (MANE Select); 19 bases into the intron before 13 bases upstream of the start codon, C replaced by A.
Molecular consequence: intron variant.
Genome position (GRCh38, 1-based): chr19:49,867,236, G>T on the plus strand (C>A on the coding strand, the complement: PNKP is on the minus strand). VCF-style: chr19-49867236-G-T. GRCh37 (hg19) VCF-style: chr19-50370493-G-T.
Identifiers: ClinVar variation 509346 (VCV000509346.1), dbSNP rs920231330, ClinGen allele CA309502722.